The following is an entry in ClinVar:

ClinVar aggregate classification (germline): Uncertain significance (1 of 4 stars; one submission).

Conditions:
Inborn genetic diseases. Identifiers: MedGen C0950123, MeSH D030342.

Submission:

Ambry Genetics
Classification: Uncertain significance for Inborn genetic diseases. Last evaluated: 2026-01-08. Review status: criteria provided, single submitter. Criteria: Ambry Variant Classification Scheme 2023. Collection method: clinical testing. Allele origin: germline.
Comment: The c.1150G>C (p.E384Q) alteration is located in exon 11 (coding exon 9) of the SETD5 gene. This alteration results from a G to C substitution at nucleotide position 1150, causing the glutamic acid (E) at amino acid position 384 to be replaced by a glutamine (Q). This variant was not reported in population-based cohorts in the Genome Aggregation Database (gnomAD). This amino acid position is highly conserved in available vertebrate species. This missense alteration is located in a region that has a low rate of benign missense variation (Lek, 2016; Firth, 2009). This alteration is predicted to be deleterious by in silico analysis. Based on insufficient or conflicting evidence, the clinical significance of this alteration remains unclear.

NM_001080517.3(SETD5):c.1150G>C (p.Glu384Gln)

Gene: SETD5 (SET domain containing 5; plus strand). Cytogenetic location: 3p25.3.
Variant type: single nucleotide variant.
Coding change: c.1150G>C on transcript NM_001080517.3 (MANE Select); coding-DNA position 1150, G replaced by C.
Protein change: p.Glu384Gln; replaces glutamic acid 384 with glutamine.
Molecular consequence: missense variant.
Genome position (GRCh38, 1-based): chr3:9,443,380, G>C. VCF-style: chr3-9443380-G-C. GRCh37 (hg19) VCF-style: chr3-9485064-G-C.
Other names: c.856G>C, p.Glu286Gln (NM_001349451.2, NM_001292043.2); c.1246G>C, p.Glu416Gln (NM_001437633.1); c.1207G>C, p.Glu403Gln (NM_001437635.1); c.1150G>C, p.Glu384Gln (NM_001437643.1); c.1189G>C, p.Glu397Gln (NM_001437701.1); short protein forms E286Q, E416Q, E384Q, E397Q, E403Q.
Identifiers: ClinVar variation 4838683 (VCV004838683.1).